The following is an entry in ClinVar:

NM_006941.4(SOX10):c.738G>A (p.Lys246=)

Genes: POLR2F (RNA polymerase II, I and III subunit F; plus strand), SOX10 (SRY-box transcription factor 10; minus strand). Cytogenetic location: 22q13.1.
Variant type: single nucleotide variant.
Coding change: c.738G>A on transcript NM_006941.4 (MANE Select); coding-DNA position 738, G replaced by A.
Protein change: p.Lys246=; no amino-acid change (lysine 246 retained).
Molecular consequence: synonymous variant. On other transcripts: intron variant (3).
Genome position (GRCh38, 1-based): chr22:37,974,158, C>T on the plus strand (G>A on the coding strand, the complement: SOX10 is on the minus strand). VCF-style: chr22-37974158-C-T. GRCh37 (hg19) VCF-style: chr22-38370165-C-T.
Other names: c.*38+1848C>T (NM_001363825.1); c.293+6988C>T (NM_001301130.2, NM_001301131.2).
Identifiers: ClinVar variation 3390755 (VCV003390755.1).

ClinVar aggregate classification (germline): Uncertain significance (1 of 4 stars; one submission).

gnomAD v4.1: 13 of 1,608,568 alleles (0.00081%); highest among the groups gnomAD compares: Non-Finnish European, 0.0011%; no homozygotes.

Submission:

GeneDx
Classification: Uncertain significance. Last evaluated: 2024-06-10. Review status: criteria provided, single submitter. Criteria: GeneDx Variant Classification Process June 2021. Collection method: clinical testing. Allele origin: germline. Affected: yes.
Comment: In silico analysis indicates that this variant does not alter splicing; Has not been previously published as pathogenic or benign to our knowledge